The following is an entry in ClinVar:

ClinVar aggregate classification (germline): Uncertain significance (1 of 4 stars; one submission).

Conditions:
MOGS-congenital disorder of glycosylation. Also called: CDG IIb; CDG 2B; MOGS-CDG; GLUCOSIDASE I DEFICIENCY. Identifiers: Orphanet 79330, MedGen C1853736, MONDO:0011629, OMIM 606056.

Allele frequency attached by ClinVar (database versions not stated): gnomAD exomes below 0.00001; TOPMed 0.00001.
gnomAD v4.1: 2 of 1,614,024 alleles (0.00012%); highest among the groups gnomAD compares: Admixed American, 0.0033%; no homozygotes.

Submission:

Labcorp Genetics (formerly Invitae), Labcorp
Classification: Uncertain significance for MOGS-congenital disorder of glycosylation. Last evaluated: 2019-10-28. Review status: criteria provided, single submitter. Criteria: Invitae Variant Classification Sherloc (09022015). Collection method: clinical testing. Allele origin: germline.
Comment: In summary, the available evidence is currently insufficient to determine the role of this variant in disease. Therefore, it has been classified as a Variant of Uncertain Significance. This sequence change disrupts the translational stop signal of the MOGS mRNA. It is expected to extend the length of the MOGS protein by 54 additional amino acid residues. This variant is not present in population databases (ExAC no frequency). This variant has not been reported in the literature in individuals with MOGS-related conditions. Experimental studies and prediction algorithms are not available or were not evaluated, and the functional significance of this variant is currently unknown.

NM_006302.3(MOGS):c.2513G>T (p.Ter838Leu)

Gene: MOGS (mannosyl-oligosaccharide glucosidase; minus strand). Cytogenetic location: 2p13.1.
Variant type: single nucleotide variant.
Coding change: c.2513G>T on transcript NM_006302.3 (MANE Select); coding-DNA position 2513, G replaced by T.
Protein change: p.Ter838Leu.
Molecular consequence: stop lost.
Genome position (GRCh38, 1-based): chr2:74,461,276, C>A on the plus strand (G>T on the coding strand, the complement: MOGS is on the minus strand). VCF-style: chr2-74461276-C-A. GRCh37 (hg19) VCF-style: chr2-74688403-C-A.
Other names: *838L; *732L; c.2195G>T, p.Ter732Leu (NM_001146158.2).
Identifiers: ClinVar variation 967300 (VCV000967300.8), dbSNP rs201823585, ClinGen allele CA347365076.
Genomic context (GRCh38, chr2:74,461,276, plus strand): 5'-CTTTGTCCCTTCAGAGCCAGAGTGGCATGAGTGTCTTGGCTCCCCTCCTCTCCCTCCCTT[C>A]AGTAGTCTTCAGCCATGGCCAGTAAGACAAGGCTGGTCCAGCCGTGGAAAGGGCGGCAGC-3'